The following is an entry in ClinVar:

NM_032578.4(MYPN):c.2018A>G (p.Glu673Gly)

Gene: MYPN (myopalladin; plus strand). Cytogenetic location: 10q21.3.
Variant type: single nucleotide variant.
Coding change: c.2018A>G on transcript NM_032578.4 (MANE Select); coding-DNA position 2018, A replaced by G.
Protein change: p.Glu673Gly; replaces glutamic acid 673 with glycine.
Molecular consequence: missense variant. On other transcripts: non-coding transcript variant (2).
Genome position (GRCh38, 1-based): chr10:68,174,110, A>G. VCF-style: chr10-68174110-A-G. GRCh37 (hg19) VCF-style: chr10-69933867-A-G.
Other names: c.2018A>G, p.Glu673Gly (NM_001256267.2); c.1136A>G, p.Glu379Gly (NM_001256268.2); short protein forms E673G, E379G.
Identifiers: ClinVar variation 2098367 (VCV002098367.4), dbSNP rs2495791155, ClinGen allele CA376843979.
Genomic context (GRCh38, chr10:68,174,110, plus strand): 5'-CTTGTTTTGTGTACAGTGATTCCACTCAGTTACAACAGCTTCATAACCAAGTCTTACTGG[A>G]ACAACACCAATTGCAAAACCCACCTCCTTCATCTCCTAAGGAGTTTCCTTTCAGCATGAC-3'
Protein context (NP_115967.2, residues 663-683): LQQLHNQVLL[Glu673Gly]QHQLQNPPPS

ClinVar aggregate classification (germline): Uncertain significance (1 of 4 stars; one submission).

Conditions:
Dilated cardiomyopathy 1KK (CMD1KK). Identifiers: Orphanet 154, Orphanet 75249, MedGen C3714995, MONDO:0014100, OMIM 615248.

Submission:

Labcorp Genetics (formerly Invitae), Labcorp
Classification: Uncertain significance for Dilated cardiomyopathy 1KK. Last evaluated: 2026-01-19. Review status: criteria provided, single submitter. Criteria: Invitae Variant Classification Sherloc (09022015). Collection method: clinical testing. Allele origin: germline.
Comment: This sequence change replaces glutamic acid, which is acidic and polar, with glycine, which is neutral and non-polar, at codon 673 of the MYPN protein (p.Glu673Gly). This variant is not present in population databases (gnomAD no frequency). This variant has not been reported in the literature in individuals affected with MYPN-related conditions. ClinVar contains an entry for this variant (Variation ID: 2098367). An algorithm developed to predict the effect of missense changes on protein structure and function (PolyPhen-2) suggests that this variant is likely to be disruptive. In summary, the available evidence is currently insufficient to determine the role of this variant in disease. Therefore, it has been classified as a Variant of Uncertain Significance.